The following is an entry in ClinVar:

ClinVar aggregate classification (germline): Pathogenic (1 of 4 stars; one submission).

Conditions:
Familial multiple polyposis syndrome (FAP). Also called: Familial adenomatous polyposis; Familial intestinal polyposis; Classic familial adenomatous polyposis; Familial polyposis; Familial Adenomatous Polyposis (FAP). Identifiers: Orphanet 733, MedGen C0032580, MONDO:0021055. Disease mechanism: loss of function.

Submission:

Women's Health and Genetics/Laboratory Corporation of America, LabCorp
Classification: Pathogenic for Familial multiple polyposis syndrome. Last evaluated: 2023-09-20. Review status: criteria provided, single submitter. Criteria: LabCorp Variant Classification Summary - May 2015. Collection method: clinical testing. Allele origin: germline.
Comment: Variant summary: APC c.2204dupC (p.Lys736GlufsX20) results in a premature termination codon, predicted to cause a truncation of the encoded protein or absence of the protein due to nonsense mediated decay, which are commonly known mechanisms for disease. Variants downstream of this position have been classified as pathogenic by our laboratory. The variant was absent in 250016 control chromosomes (gnomAD). To our knowledge, no occurrence of c.2204dupC in individuals affected with Familial Adenomatous Polyposis and no experimental evidence demonstrating its impact on protein function have been reported. No submitters have cited clinical-significance assessments for this variant to ClinVar after 2014. Based on the evidence outlined above, the variant was classified as pathogenic.

NM_000038.6(APC):c.2204dup (p.Lys736fs)

Gene: APC (APC regulator of Wnt signaling pathway; plus strand). Cytogenetic location: 5q22.2.
Variant type: Duplication.
Coding change: c.2204dup on transcript NM_000038.6 (MANE Select); coding-DNA position 2204, one base duplicated (C; older notation c.2204dupC).
Protein change: p.Lys736fs; shifts the reading frame from lysine 736.
Molecular consequence: frameshift variant. On other transcripts: non-coding transcript variant (2).
Genome position (GRCh38, 1-based): chr5:112,837,798, C duplicated. VCF-style (leftmost placement, unchanged base first): chr5-112837797-G-GC. GRCh37 (hg19) VCF-style: chr5-112173494-G-GC.
Other names: c.2204dup, p.Lys736fs (NM_001127510.3, NM_001354895.2, NM_001407450.1); c.2150dup, p.Lys718fs (NM_001127511.3); c.2258dup, p.Lys754fs (NM_001354896.2, NM_001407447.1, NM_001407448.1 and 1 more transcripts); c.2234dup, p.Lys746fs (NM_001354897.2); c.2129dup, p.Lys711fs (NM_001354898.2); c.2120dup, p.Lys708fs (NM_001354899.2); c.2081dup, p.Lys695fs (NM_001354900.2); c.2027dup, p.Lys677fs (NM_001354901.2, NM_001407453.1); and 11 more; short protein forms K352fs, K453fs, K576fs, K607fs, K610fs, K635fs, K645fs, K653fs.
Identifiers: ClinVar variation 2627280 (VCV002627280.1), dbSNP rs2533404195, ClinGen allele CA2582341438.